The following is an entry in ClinVar:

NM_001206927.2(DNAH8):c.12129+3A>C

Genes: DNAH8 (dynein axonemal heavy chain 8; plus strand), DNAH8-AS1 (DNAH8 antisense RNA 1; minus strand). Cytogenetic location: 6p21.2.
Variant type: single nucleotide variant.
Coding change: c.12129+3A>C on transcript NM_001206927.2 (MANE Select); 3 bases into the intron after coding-DNA position 12129, A replaced by C.
Molecular consequence: intron variant.
Genome position (GRCh38, 1-based): chr6:38,945,591, A>C. VCF-style: chr6-38945591-A-C. GRCh37 (hg19) VCF-style: chr6-38913367-A-C.
Other names: c.11478+3A>C (NM_001371.4).
Identifiers: ClinVar variation 5040038 (VCV005040038.1).

ClinVar aggregate classification (germline): Uncertain significance (1 of 4 stars; one submission).

Submission:

CeGaT Center for Human Genetics Tuebingen
Classification: Uncertain significance. Last evaluated: 2026-07-01. Review status: criteria provided, single submitter. Criteria: CeGaT Center For Human Genetics Tuebingen Variant Classification Criteria Version 2. Collection method: clinical testing. Allele origin: germline. Affected: yes. Observed: 1 variant allele.
Comment: DNAH8: PM2, PP3